The following is an entry in ClinVar:

NM_006214.4(PHYH):c.898A>C (p.Ile300Leu)

Gene: PHYH (phytanoyl-CoA 2-hydroxylase; minus strand). Cytogenetic location: 10p13.
Variant type: single nucleotide variant.
Coding change: c.898A>C on transcript NM_006214.4 (MANE Select); coding-DNA position 898, A replaced by C.
Protein change: p.Ile300Leu; replaces isoleucine 300 with leucine.
Molecular consequence: missense variant.
Genome position (GRCh38, 1-based): chr10:13,281,041, T>G on the plus strand (A>C on the coding strand, the complement: PHYH is on the minus strand). VCF-style: chr10-13281041-T-G. GRCh37 (hg19) VCF-style: chr10-13323041-T-G.
Other names: c.598A>C, p.Ile200Leu (NM_001037537.2, NM_001323080.2); c.904A>C, p.Ile302Leu (NM_001323082.2); c.634A>C, p.Ile212Leu (NM_001323083.2); c.604A>C, p.Ile202Leu (NM_001323084.2); short protein forms I200L, I302L, I202L, I212L, I300L.
Identifiers: ClinVar variation 2004932 (VCV002004932.1), dbSNP rs1468367622, ClinGen allele CA376051388.

ClinVar aggregate classification (germline): Uncertain significance (1 of 4 stars; one submission).

gnomAD v4.1: 1 of 1,614,128 alleles (0.000062%); highest among the groups gnomAD compares: Non-Finnish European, 0.000085%; no homozygotes.

Submission:

Labcorp Genetics (formerly Invitae), Labcorp
Classification: Uncertain significance. Last evaluated: 2022-06-14. Review status: criteria provided, single submitter. Criteria: Invitae Variant Classification Sherloc (09022015). Collection method: clinical testing. Allele origin: germline.
Comment: This sequence change replaces isoleucine, which is neutral and non-polar, with leucine, which is neutral and non-polar, at codon 300 of the PHYH protein (p.Ile300Leu). This variant is not present in population databases (gnomAD no frequency). This variant has not been reported in the literature in individuals affected with PHYH-related conditions. Algorithms developed to predict the effect of missense changes on protein structure and function (SIFT, PolyPhen-2, Align-GVGD) all suggest that this variant is likely to be tolerated. In summary, the available evidence is currently insufficient to determine the role of this variant in disease. Therefore, it has been classified as a Variant of Uncertain Significance.